The following is an entry in ClinVar:

NM_021930.6(RINT1):c.1232A>T (p.Glu411Val)

Gene: RINT1 (RAD50 interactor 1; plus strand). Cytogenetic location: 7q22.3.
Variant type: single nucleotide variant.
Coding change: c.1232A>T on transcript NM_021930.6 (MANE Select); coding-DNA position 1232, A replaced by T.
Protein change: p.Glu411Val; replaces glutamic acid 411 with valine.
Molecular consequence: missense variant. On other transcripts: non-coding transcript variant (1).
Genome position (GRCh38, 1-based): chr7:105,550,385, A>T. VCF-style: chr7-105550385-A-T. GRCh37 (hg19) VCF-style: chr7-105190832-A-T.
Other names: c.998A>T, p.Glu333Val (NM_001346599.2); c.209A>T, p.Glu70Val (NM_001346600.2, NM_001346603.2); c.308A>T, p.Glu103Val (NM_001346601.2); short protein forms E70V, E103V, E411V, E333V.
Identifiers: ClinVar variation 1755838 (VCV001755838.3), dbSNP rs764964962, ClinGen allele CA4426626.

ClinVar aggregate classification (germline): Uncertain significance (1 of 4 stars; one submission).

Allele frequency attached by ClinVar (database versions not stated): ExAC 0.00001.

Submission:

Ambry Genetics
Classification: Uncertain significance. Last evaluated: 2024-05-29. Review status: criteria provided, single submitter. Criteria: Ambry Variant Classification Scheme 2023. Collection method: clinical testing. Allele origin: germline.
Comment: The p.E411V variant (also known as c.1232A>T), located in coding exon 9 of the RINT1 gene, results from an A to T substitution at nucleotide position 1232. The glutamic acid at codon 411 is replaced by valine, an amino acid with dissimilar properties. This amino acid position is highly conserved in available vertebrate species. In addition, this alteration is predicted to be deleterious by in silico analysis. The evidence for this gene-disease relationship is limited; therefore, the clinical significance of this alteration is unclear.